The following is an entry in ClinVar:

ClinVar aggregate classification (germline): Conflicting classifications of pathogenicity. Review status: criteria provided, conflicting classifications (1 of 4 stars). 2 submissions from 2 submitters: Uncertain significance (1); Likely benign (1). Last evaluated 2026-06-15.

Conditions:
Inborn genetic diseases. Identifiers: MedGen C0950123, MeSH D030342.

Allele frequency attached by ClinVar (database versions not stated): gnomAD exomes 0.00001; TOPMed 0.00002; gnomAD 0.00003; ExAC 0.00001; ESP Exome Variant Server 0.00008.

Submissions (2):

Ambry Genetics
Classification: Likely benign for Inborn genetic diseases. Last evaluated: 2026-06-15. Review status: criteria provided, single submitter. Criteria: Ambry Variant Classification Scheme 2023. Collection method: clinical testing. Allele origin: germline.

Labcorp Genetics (formerly Invitae), Labcorp
Classification: Uncertain significance. Last evaluated: 2024-08-07. Review status: criteria provided, single submitter. Criteria: Invitae Variant Classification Sherloc (09022015). Collection method: clinical testing. Allele origin: germline.
Comment: This sequence change replaces methionine, which is neutral and non-polar, with valine, which is neutral and non-polar, at codon 1926 of the KMT2A protein (p.Met1926Val). This variant is present in population databases (rs140545520, gnomAD 0.002%). This variant has not been reported in the literature in individuals affected with KMT2A-related conditions. ClinVar contains an entry for this variant (Variation ID: 2168021). Advanced modeling of protein sequence and biophysical properties (such as structural, functional, and spatial information, amino acid conservation, physicochemical variation, residue mobility, and thermodynamic stability) performed at Invitae indicates that this missense variant is not expected to disrupt KMT2A protein function with a negative predictive value of 95%. In summary, the available evidence is currently insufficient to determine the role of this variant in disease. Therefore, it has been classified as a Variant of Uncertain Significance.

NM_001197104.2(KMT2A):c.5776A>G (p.Met1926Val)

Gene: KMT2A (lysine methyltransferase 2A; plus strand). Cytogenetic location: 11q23.3.
Variant type: single nucleotide variant.
Coding change: c.5776A>G on transcript NM_001197104.2 (MANE Select); coding-DNA position 5776, A replaced by G.
Protein change: p.Met1926Val; replaces methionine 1926 with valine.
Molecular consequence: missense variant.
Genome position (GRCh38, 1-based): chr11:118,498,047, A>G. VCF-style: chr11-118498047-A-G. GRCh37 (hg19) VCF-style: chr11-118368762-A-G.
Other names: c.5866A>G, p.Met1956Val (NM_001412597.1); c.5767A>G, p.Met1923Val (NM_005933.4); short protein forms M1926V, M1923V, M1956V.
Identifiers: ClinVar variation 2168021 (VCV002168021.4), dbSNP rs140545520, ClinGen allele CA6304108.